The following is an entry in ClinVar:

ClinVar aggregate classification (germline): Benign/Likely benign. Review status: criteria provided, multiple submitters, no conflicts (2 of 4 stars). 10 submissions from 10 submitters: Benign (3); Likely benign (3). 4 of the submissions do not count toward it. Last evaluated 2025-12-01.

Conditions:
MYOZ2-related disorder. Also called: MYOZ2-related condition.
Hypertrophic cardiomyopathy 16. Identifiers: MedGen C3151204, MONDO:0013455, OMIM 613838.
Hypertrophic cardiomyopathy. Also called: HYPERTROPHIC MYOCARDIOPATHY. Identifiers: Orphanet 217569, MedGen C0007194, MeSH D002312, MONDO:0005045, HP:0001639.

Allele frequency attached by ClinVar (database versions not stated): TOPMed 0.00020; 1000 Genomes Project 30x 0.00062; 1000 Genomes Project 0.00080; gnomAD exomes 0.00099 and 0.00214; ExAC 0.00190; gnomAD 0.00204 and 0.00220.
gnomAD v4.1: 1,750 of 1,614,050 alleles (0.11%); highest among the groups gnomAD compares: Non-Finnish European, 0.024%; 18 homozygotes.

Submissions (10):

Labcorp Genetics (formerly Invitae), Labcorp
Classification: Benign for Hypertrophic cardiomyopathy. Last evaluated: 2025-12-01. Review status: criteria provided, single submitter. Criteria: Invitae Variant Classification Sherloc (09022015). Collection method: clinical testing. Allele origin: germline.

PreventionGenetics, part of Exact Sciences
Classification: Likely benign for MYOZ2-related condition. Last evaluated: 2025-06-10. Review status: criteria provided, single submitter. Criteria: ACMG Guidelines, 2015. Collection method: clinical testing. Allele origin: germline.
Comment: This variant is classified as likely benign based on ACMG/AMP sequence variant interpretation guidelines (Richards et al. 2015 PMID: 25741868, with internal and published modifications).

Blueprint Genetics
Classification: Likely benign. Last evaluated: 2024-11-21. Review status: criteria provided, single submitter. Criteria: ACMG Guidelines, 2015. Collection method: clinical testing. Allele origin: germline.

CeGaT Center for Human Genetics Tuebingen
Classification: Benign. Last evaluated: 2022-05-01. Review status: criteria provided, single submitter. Criteria: CeGaT Center For Human Genetics Tuebingen Variant Classification Criteria Version 2. Collection method: clinical testing. Allele origin: germline. Affected: yes. Observed: 1 variant allele.
Comment: MYOZ2: BP4, BS1, BS2

GeneDx
Classification: Benign. Last evaluated: 2021-01-04. Review status: criteria provided, single submitter. Criteria: GeneDx Variant Classification Process June 2021. Collection method: clinical testing. Allele origin: germline. Affected: yes.
Comment: This variant is associated with the following publications: (PMID: 22987565, 23299917, 17347475)

Laboratory for Molecular Medicine, Mass General Brigham Personalized Medicine
Classification: Likely benign. Last evaluated: 2012-09-21. Review status: criteria provided, single submitter. Criteria: LMM Criteria. Collection method: clinical testing. Allele origin: germline. Observed: 2 variant alleles.
Comment: Ile246Met in exon 6 of MYOZ2: This variant is not expected to have clinical sign ificance because it has been identified in 2.1% (4/186) of Finnish chromosomes ( 1000 Genomes Project, dbSNP rs140126678). In addition, the affected amino acid is poorly conserved in evolution, also suggesting that a change at this position is tolerated. Ile246Met in exon 6 of MYOZ2 (rs140126678; allele frequency = 2. 1%, 4/186)

OMIM
Classification: Pathogenic for CARDIOMYOPATHY, FAMILIAL HYPERTROPHIC, 16. Last evaluated: 2013-01-01. Review status: no assertion criteria provided. Collection method: literature only. Allele origin: germline. Not counted in ClinVar's aggregate classification.

Leiden Muscular Dystrophy (MYOZ2)
No classification provided. Last evaluated: 2012-04-20. Review status: no classification provided. Collection method: curation. Allele origin: germline. Not counted in ClinVar's aggregate classification.

Clinical Genetics, Academic Medical Center
Classification: Likely benign. Review status: no assertion criteria provided. Collection method: clinical testing. Allele origin: germline. Affected: yes. Study: VKGL Data-share Consensus. Not counted in ClinVar's aggregate classification.

Joint Genome Diagnostic Labs from Nijmegen and Maastricht, Radboudumc and MUMC+
Classification: Likely benign. Review status: no assertion criteria provided. Collection method: clinical testing. Allele origin: germline. Affected: yes. Study: VKGL Data-share Consensus. Not counted in ClinVar's aggregate classification.

Literature cited by the submitters: PubMed 17347475 (cited by Laboratory for Molecular Medicine, Mass General Brigham Personalized Medicine and OMIM); PubMed 22987565 (cited by OMIM).

NM_016599.5(MYOZ2):c.738A>G (p.Ile246Met)

Gene: MYOZ2 (myozenin 2; plus strand). Cytogenetic location: 4q26.
Variant type: single nucleotide variant.
Coding change: c.738A>G on transcript NM_016599.5 (MANE Select); coding-DNA position 738, A replaced by G.
Protein change: p.Ile246Met; replaces isoleucine 246 with methionine.
Molecular consequence: missense variant.
Genome position (GRCh38, 1-based): chr4:119,186,143, A>G. VCF-style: chr4-119186143-A-G. GRCh37 (hg19) VCF-style: chr4-120107298-A-G.
Other names: short protein forms I246M.
Identifiers: ClinVar variation 30509 (VCV000030509.46), dbSNP rs140126678, ClinGen allele CA129293.